The following is an entry in ClinVar:

NM_032737.4(LMNB2):c.1789G>A (p.Glu597Lys)

Gene: LMNB2 (lamin B2; minus strand). Cytogenetic location: 19p13.3.
Variant type: single nucleotide variant.
Coding change: c.1789G>A on transcript NM_032737.4 (MANE Select); coding-DNA position 1789, G replaced by A.
Protein change: p.Glu597Lys; replaces glutamic acid 597 with lysine.
Molecular consequence: missense variant.
Genome position (GRCh38, 1-based): chr19:2,431,580, C>T on the plus strand (G>A on the coding strand, the complement: LMNB2 is on the minus strand). VCF-style: chr19-2431580-C-T. GRCh37 (hg19) VCF-style: chr19-2431578-C-T.
Other names: c.1729G>A (NM_032737.2); short protein forms E597K.
Identifiers: ClinVar variation 662106 (VCV000662106.11), dbSNP rs777988017, ClinGen allele CA9067301.

ClinVar aggregate classification (germline): Uncertain significance. Review status: criteria provided, multiple submitters, no conflicts (2 of 4 stars). 3 submissions from 3 submitters: Uncertain significance (3). Last evaluated 2025-05-22.

Conditions:
Lipodystrophy, partial, acquired, susceptibility to (APLD). Also called: APLD, SUSCEPTIBILITY TO. Identifiers: MedGen C3887501, MONDO:0100476, OMIM 608709.
Progressive myoclonic epilepsy type 9. Identifiers: Orphanet 457265, MedGen C4225289, MONDO:0014685, OMIM 616540.

Allele frequency attached by ClinVar (database versions not stated): gnomAD exomes 0.00001 and 0.00003; gnomAD 0.00003 and 0.00004; TOPMed 0.00003; ExAC 0.00003.
gnomAD v4.1: 28 of 1,614,024 alleles (0.0017%); highest among the groups gnomAD compares: Admixed American, 0.005%; 1 homozygote.

Submissions (3):

Labcorp Genetics (formerly Invitae), Labcorp
Classification: Uncertain significance for Progressive myoclonic epilepsy type 9; Lipodystrophy, partial, acquired, susceptibility to. Last evaluated: 2025-05-22. Review status: criteria provided, single submitter. Criteria: Invitae Variant Classification Sherloc (09022015). Collection method: clinical testing. Allele origin: germline.
Comment: This sequence change replaces glutamic acid, which is acidic and polar, with lysine, which is basic and polar, at codon 597 of the LMNB2 protein (p.Glu597Lys). This variant is present in population databases (rs777988017, gnomAD 0.006%). This variant has not been reported in the literature in individuals affected with LMNB2-related conditions. ClinVar contains an entry for this variant (Variation ID: 662106). An algorithm developed to predict the effect of missense changes on protein structure and function (PolyPhen-2) suggests that this variant is likely to be disruptive. In summary, the available evidence is currently insufficient to determine the role of this variant in disease. Therefore, it has been classified as a Variant of Uncertain Significance.

Athena Diagnostics
Classification: Uncertain significance. Last evaluated: 2025-02-25. Review status: criteria provided, single submitter. Criteria: Athena Diagnostics Criteria. Collection method: clinical testing. Allele origin: unknown.
Comment: Available data are insufficient to determine the clinical significance of the variant at this time. The frequency of this variant in the general population is uninformative in assessment of its pathogenicity. Polyphen and MutationTaster predict this amino acid change may be benign.

Ambry Genetics
Classification: Uncertain significance. Last evaluated: 2025-01-27. Review status: criteria provided, single submitter. Criteria: Ambry Variant Classification Scheme 2023. Collection method: clinical testing. Allele origin: germline.